The following is an entry in ClinVar:

ClinVar aggregate classification (germline): Uncertain significance (1 of 4 stars; one submission).

Conditions:
Hereditary cancer-predisposing syndrome. Also called: Tumor predisposition; Hereditary Cancer Syndrome; Hereditary neoplastic syndrome; Neoplastic Syndromes, Hereditary. Identifiers: Orphanet 140162, MedGen C0027672, MeSH D009386, MONDO:0015356.

Submission:

Ambry Genetics
Classification: Uncertain significance for Hereditary cancer-predisposing syndrome. Last evaluated: 2026-08-24. Review status: criteria provided, single submitter. Criteria: Ambry Variant Classification Scheme 2023. Collection method: clinical testing. Allele origin: germline.
Comment: The p.A1258D variant (also known as c.3773C>A), located in coding exon 22 of the PTCH1 gene, results from a C to A substitution at nucleotide position 3773. The alanine at codon 1258 is replaced by aspartic acid, an amino acid with dissimilar properties. This amino acid position is highly conserved in available vertebrate species. In addition, this alteration is predicted to be deleterious by in silico analysis. Based on the available evidence, the clinical significance of this variant remains unclear.

NM_000264.5(PTCH1):c.3773C>A (p.Ala1258Asp)

Gene: PTCH1 (patched 1; minus strand). Cytogenetic location: 9q22.32.
Variant type: single nucleotide variant.
Coding change: c.3773C>A on transcript NM_000264.5 (MANE Select); coding-DNA position 3773, C replaced by A.
Protein change: p.Ala1258Asp; replaces alanine 1258 with aspartic acid.
Molecular consequence: missense variant. On other transcripts: non-coding transcript variant (1).
Genome position (GRCh38, 1-based): chr9:95,449,100, G>T on the plus strand (C>A on the coding strand, the complement: PTCH1 is on the minus strand). VCF-style: chr9-95449100-G-T. GRCh37 (hg19) VCF-style: chr9-98211382-G-T.
Other names: c.3575C>A, p.Ala1192Asp (NM_001083602.3); c.3770C>A, p.Ala1257Asp (NM_001083603.3); c.3320C>A, p.Ala1107Asp (NM_001083604.3, NM_001083605.3, NM_001083606.3 and 1 more transcripts); c.3617C>A, p.Ala1206Asp (NM_001354918.2); short protein forms A1258D, A1206D, A1107D, A1257D, A1192D.
Identifiers: ClinVar variation 3427291 (VCV003427291.2).